The following is an entry in ClinVar:

ClinVar aggregate classification (germline): Uncertain significance (1 of 4 stars; one submission).

Conditions:
Mast syndrome. Also called: SPASTIC PARAPLEGIA 21, AUTOSOMAL RECESSIVE. Identifiers: Orphanet 101001, MedGen C1855346, MONDO:0009568, OMIM 248900.

Allele frequency attached by ClinVar (database versions not stated): gnomAD exomes below 0.00001.

Submission:

Labcorp Genetics (formerly Invitae), Labcorp
Classification: Uncertain significance for Mast syndrome. Last evaluated: 2022-02-09. Review status: criteria provided, single submitter. Criteria: Invitae Variant Classification Sherloc (09022015). Collection method: clinical testing. Allele origin: germline.
Comment: This variant has not been reported in the literature in individuals affected with SPG21-related conditions. This variant is not present in population databases (gnomAD no frequency). This sequence change replaces leucine, which is neutral and non-polar, with proline, which is neutral and non-polar, at codon 160 of the SPG21 protein (p.Leu160Pro). Algorithms developed to predict the effect of missense changes on protein structure and function (SIFT, PolyPhen-2, Align-GVGD) all suggest that this variant is likely to be disruptive. In summary, the available evidence is currently insufficient to determine the role of this variant in disease. Therefore, it has been classified as a Variant of Uncertain Significance.

NM_016630.7(SPG21):c.479T>C (p.Leu160Pro)

Gene: SPG21 (SPG21 abhydrolase domain containing, maspardin; minus strand). Cytogenetic location: 15q22.31.
Variant type: single nucleotide variant.
Coding change: c.479T>C on transcript NM_016630.7 (MANE Select); coding-DNA position 479, T replaced by C.
Protein change: p.Leu160Pro; replaces leucine 160 with proline.
Molecular consequence: missense variant.
Genome position (GRCh38, 1-based): chr15:64,970,196, A>G on the plus strand (T>C on the coding strand, the complement: SPG21 is on the minus strand). VCF-style: chr15-64970196-A-G. GRCh37 (hg19) VCF-style: chr15-65262534-A-G.
Other names: c.479T>C, p.Leu160Pro (NM_001127889.5); c.398T>C, p.Leu133Pro (NM_001127890.5); short protein forms L160P, L133P.
Identifiers: ClinVar variation 2095779 (VCV002095779.4), dbSNP rs113047702, ClinGen allele CA271502620.